The following is an entry in ClinVar:

ClinVar aggregate classification (germline): Uncertain significance (1 of 4 stars; one submission).

gnomAD v4.1: 2 of 1,597,538 alleles (0.00013%); highest among the groups gnomAD compares: African/African-American, 0.0014%; no homozygotes.

Submission:

CeGaT Center for Human Genetics Tuebingen
Classification: Uncertain significance. Last evaluated: 2026-08-01. Review status: criteria provided, single submitter. Criteria: CeGaT Center For Human Genetics Tuebingen Variant Classification Criteria Version 2. Collection method: clinical testing. Allele origin: germline. Affected: yes. Observed: 1 variant allele.
Comment: TIAM1: PM2

NM_001353694.2(TIAM1):c.1834G>A (p.Glu612Lys)

Gene: TIAM1 (TIAM Rac1 associated GEF 1; minus strand). Cytogenetic location: 21q22.11.
Variant type: single nucleotide variant.
Coding change: c.1834G>A on transcript NM_001353694.2 (MANE Select); coding-DNA position 1834, G replaced by A.
Protein change: p.Glu612Lys; replaces glutamic acid 612 with lysine.
Molecular consequence: missense variant.
Genome position (GRCh38, 1-based): chr21:31,223,567, C>T on the plus strand (G>A on the coding strand, the complement: TIAM1 is on the minus strand). VCF-style: chr21-31223567-C-T. GRCh37 (hg19) VCF-style: chr21-32595883-C-T.
Other names: c.1834G>A, p.Glu612Lys (NM_001353686.2, NM_001353687.2, NM_001353688.1 and 6 more transcripts); short protein forms E612K.
Identifiers: ClinVar variation 5038649 (VCV005038649.1).